The following is an entry in ClinVar:

NM_015158.5(KANK1):c.3796G>A (p.Glu1266Lys)

Gene: KANK1 (KN motif and ankyrin repeat domains 1; plus strand). Cytogenetic location: 9p24.3.
Variant type: single nucleotide variant.
Coding change: c.3796G>A on transcript NM_015158.5 (MANE Select); coding-DNA position 3796, G replaced by A.
Protein change: p.Glu1266Lys; replaces glutamic acid 1266 with lysine.
Molecular consequence: missense variant. On other transcripts: non-coding transcript variant (1).
Genome position (GRCh38, 1-based): chr9:742,304, G>A. VCF-style: chr9-742304-G-A. GRCh37 (hg19) VCF-style: chr9-742304-G-A.
Other names: c.3796G>A, p.Glu1266Lys (NM_001438412.1, NM_001256877.3, NM_001354334.2 and 1 more transcripts); c.3322G>A, p.Glu1108Lys (NM_153186.6, NM_001354337.2, NM_001354341.2 and 2 more transcripts); c.3028G>A, p.Glu1010Lys (NM_001354336.2, NM_001438411.1); c.3268G>A, p.Glu1090Lys (NM_001354338.2, NM_001354340.2, NM_001354344.2); c.3082G>A, p.Glu1028Lys (NM_001354339.2, NM_001354342.2, NM_001354343.2); c.3556G>A, p.Glu1186Lys (NM_001354331.2); c.3742G>A, p.Glu1248Lys (NM_001354332.2); short protein forms E1090K, E1010K, E1028K, E1248K, E1108K, E1186K, E1266K.
Identifiers: ClinVar variation 4761539 (VCV004761539.1).

ClinVar aggregate classification (germline): Uncertain significance (1 of 4 stars; one submission).

gnomAD v4.1: 38 of 1,614,012 alleles (0.0024%); highest among the groups gnomAD compares: Middle Eastern, 0.016%; no homozygotes.

Submission:

Labcorp Genetics (formerly Invitae), Labcorp
Classification: Uncertain significance. Last evaluated: 2025-03-13. Review status: criteria provided, single submitter. Criteria: Invitae Variant Classification Sherloc (09022015). Collection method: clinical testing. Allele origin: germline.
Comment: This sequence change replaces glutamic acid, which is acidic and polar, with lysine, which is basic and polar, at codon 1266 of the KANK1 protein (p.Glu1266Lys). This variant is present in population databases (rs780766744, gnomAD 0.06%), and has an allele count higher than expected for a pathogenic variant. This variant has not been reported in the literature in individuals affected with KANK1-related conditions. An algorithm developed to predict the effect of missense changes on protein structure and function (PolyPhen-2) suggests that this variant is likely to be disruptive. In summary, the available evidence is currently insufficient to determine the role of this variant in disease. Therefore, it has been classified as a Variant of Uncertain Significance.